The following is an entry in ClinVar:

NM_020717.5(SHROOM4):c.2874A>C (p.Lys958Asn)

Gene: SHROOM4 (shroom family member 4; minus strand). Cytogenetic location: Xp11.22.
Variant type: single nucleotide variant.
Coding change: c.2874A>C on transcript NM_020717.5 (MANE Select); coding-DNA position 2874, A replaced by C.
Protein change: p.Lys958Asn; replaces lysine 958 with asparagine.
Molecular consequence: missense variant. On other transcripts: non-coding transcript variant (4).
Genome position (GRCh38, 1-based): chrX:50,633,199, T>G on the plus strand (A>C on the coding strand, the complement: SHROOM4 is on the minus strand). VCF-style: chrX-50633199-T-G. GRCh37 (hg19) VCF-style: chrX-50376199-T-G.
Other names: short protein forms K958N.
Identifiers: ClinVar variation 3030886 (VCV003030886.3), dbSNP rs143058766, ClinGen allele CA10416070.

ClinVar aggregate classification (germline): Uncertain significance. Review status: criteria provided, single submitter (1 of 4 stars). 2 submissions from 2 submitters: Uncertain significance (1). 1 of the submissions does not count toward it. Last evaluated 2025-06-10.

Conditions:
SHROOM4-related disorder. Also called: SHROOM4-related condition.

Allele frequency attached by ClinVar (database versions not stated): gnomAD exomes 0.00002; TOPMed 0.00027; ESP Exome Variant Server 0.00047.
gnomAD v4.1: 45 of 1,209,114 alleles (0.0037%); highest among the groups gnomAD compares: African/African-American, 0.07%; no homozygotes.

Submissions (2):

Ambry Genetics
Classification: Uncertain significance. Last evaluated: 2025-06-10. Review status: criteria provided, single submitter. Criteria: Ambry Variant Classification Scheme 2023. Collection method: clinical testing. Allele origin: germline.

PreventionGenetics, part of Exact Sciences
Classification: Likely benign for SHROOM4-related condition. Last evaluated: 2023-02-28. Review status: no assertion criteria provided. Collection method: clinical testing. Allele origin: germline. Not counted in ClinVar's aggregate classification.
Comment: This variant is classified as likely benign based on ACMG/AMP sequence variant interpretation guidelines (Richards et al. 2015 PMID: 25741868, with internal and published modifications).